The following is an entry in ClinVar:

ClinVar aggregate classification (germline): Pathogenic (1 of 4 stars; one submission).

Conditions:
Hereditary angioedema type 1 (HAE1). Identifiers: Orphanet 100050, Orphanet 100051, Orphanet 91378, MedGen C2717906, MONDO:0015053, OMIM 106100.

Submission:

Laboratorio de Genetica e Diagnostico Molecular, Hospital Israelita Albert Einstein
Classification: Pathogenic for Hereditary angioedema type 1. Last evaluated: 2022-01-24. Review status: criteria provided, single submitter. Criteria: ACMG Guidelines, 2015. Collection method: clinical testing. Allele origin: germline. Affected: yes.
Comment: ACMG classification criteria: PVS1 very strong, PS4 supporting, PM2 moderate, PP1 supporting

NM_000062.3(SERPING1):c.346C>T (p.Gln116Ter)

Gene: SERPING1 (serpin family G member 1; plus strand). Cytogenetic location: 11q12.1.
Variant type: single nucleotide variant.
Coding change: c.346C>T on transcript NM_000062.3 (MANE Select); coding-DNA position 346, C replaced by T.
Protein change: p.Gln116Ter; replaces glutamine 116 with a stop codon.
Molecular consequence: nonsense.
Genome position (GRCh38, 1-based): chr11:57,600,173, C>T. VCF-style: chr11-57600173-C-T. GRCh37 (hg19) VCF-style: chr11-57367646-C-T.
Other names: c.346C>T, p.Gln116Ter (NM_001032295.2); short protein forms Q116*.
Identifiers: ClinVar variation 1683559 (VCV001683559.2), dbSNP rs2135308550, ClinGen allele CA380695171.